The following is an entry in ClinVar:

NM_000094.4(COL7A1):c.4782+3G>A

Gene: COL7A1 (collagen type VII alpha 1 chain; minus strand). Cytogenetic location: 3p21.31.
Variant type: single nucleotide variant.
Coding change: c.4782+3G>A on transcript NM_000094.4 (MANE Select); 3 bases into the intron after coding-DNA position 4782, G replaced by A.
Molecular consequence: intron variant.
Genome position (GRCh38, 1-based): chr3:48,581,570, C>T on the plus strand (G>A on the coding strand, the complement: COL7A1 is on the minus strand). VCF-style: chr3-48581570-C-T. GRCh37 (hg19) VCF-style: chr3-48619003-C-T.
Identifiers: ClinVar variation 1007180 (VCV001007180.6), dbSNP rs373084149, ClinGen allele CA2379856.

ClinVar aggregate classification (germline): Uncertain significance. Review status: criteria provided, single submitter (1 of 4 stars). 2 submissions from 2 submitters: Uncertain significance (1). 1 of the submissions does not count toward it. Last evaluated 2023-08-04.

Conditions:
Epidermolysis bullosa dystrophica. Also called: Dystrophic epidermolysis bullosa, Hallopeau-Siemens type (formerly); Dystrophic epidermolysis bullosa. Identifiers: Orphanet 303, MedGen C0079294, MONDO:0006543.

Allele frequency attached by ClinVar (database versions not stated): gnomAD exomes below 0.00001; ExAC 0.00001; gnomAD 0.00001; TOPMed 0.00001; ESP Exome Variant Server 0.00008.
gnomAD v4.1: 7 of 1,613,966 alleles (0.00043%); highest among the groups gnomAD compares: Admixed American, 0.0017%; no homozygotes.

Submissions (2):

Labcorp Genetics (formerly Invitae), Labcorp
Classification: Uncertain significance. Last evaluated: 2023-08-04. Review status: criteria provided, single submitter. Criteria: Invitae Variant Classification Sherloc (09022015). Collection method: clinical testing. Allele origin: germline.
Comment: This sequence change falls in intron 49 of the COL7A1 gene. It does not directly change the encoded amino acid sequence of the COL7A1 protein. It affects a nucleotide within the consensus splice site. This variant is present in population databases (rs373084149, gnomAD 0.002%). This variant has not been reported in the literature in individuals affected with COL7A1-related conditions. ClinVar contains an entry for this variant (Variation ID: 1007180). Variants that disrupt the consensus splice site are a relatively common cause of aberrant splicing (PMID: 17576681, 9536098). Algorithms developed to predict the effect of sequence changes on RNA splicing suggest that this variant is not likely to affect RNA splicing. In summary, the available evidence is currently insufficient to determine the role of this variant in disease. Therefore, it has been classified as a Variant of Uncertain Significance.

Natera, Inc.
Classification: Uncertain significance for Dystrophic epidermolysis bullosa. Last evaluated: 2021-08-02. Review status: no assertion criteria provided. Collection method: clinical testing. Allele origin: germline. Not counted in ClinVar's aggregate classification.

Literature cited by the submitters: PubMed 17576681 (cited by Labcorp Genetics (formerly Invitae), Labcorp); PubMed 9536098 (cited by Labcorp Genetics (formerly Invitae), Labcorp).